The following is an entry in ClinVar:

ClinVar aggregate classification (germline): Uncertain significance (1 of 4 stars; one submission).

Allele frequency attached by ClinVar (database versions not stated): gnomAD 0.00001; TOPMed 0.00002.
gnomAD v4.1: 11 of 1,613,612 alleles (0.00068%); highest among the groups gnomAD compares: East Asian, 0.022%; no homozygotes.

Submission:

Labcorp Genetics (formerly Invitae), Labcorp
Classification: Uncertain significance. Last evaluated: 2022-08-19. Review status: criteria provided, single submitter. Criteria: Invitae Variant Classification Sherloc (09022015). Collection method: clinical testing. Allele origin: germline.
Comment: This sequence change affects codon 100 of the PRDM5 mRNA. It is a 'silent' change, meaning that it does not change the encoded amino acid sequence of the PRDM5 protein. It affects a nucleotide within the consensus splice site. This variant is present in population databases (no rsID available, gnomAD 0.04%). This variant has not been reported in the literature in individuals affected with PRDM5-related conditions. Algorithms developed to predict the effect of sequence changes on RNA splicing suggest that this variant is not likely to affect RNA splicing. In summary, the available evidence is currently insufficient to determine the role of this variant in disease. Therefore, it has been classified as a Variant of Uncertain Significance.

NM_018699.4(PRDM5):c.300A>G (p.Gln100=)

Gene: PRDM5 (PR/SET domain 5; minus strand). Cytogenetic location: 4q27.
Variant type: single nucleotide variant.
Coding change: c.300A>G on transcript NM_018699.4 (MANE Select); coding-DNA position 300, A replaced by G.
Protein change: p.Gln100=; no amino-acid change (glutamine 100 retained).
Molecular consequence: synonymous variant.
Genome position (GRCh38, 1-based): chr4:120,853,418, T>C on the plus strand (A>G on the coding strand, the complement: PRDM5 is on the minus strand). VCF-style: chr4-120853418-T-C. GRCh37 (hg19) VCF-style: chr4-121774573-T-C.
Other names: c.300A>G, p.Gln100= (NM_001300823.2, NM_001300824.2, NM_001379104.1 and 1 more transcripts).
Identifiers: ClinVar variation 2181884 (VCV002181884.1), dbSNP rs1420670623, ClinGen allele CA441083954.